The following is an entry in ClinVar:

NM_002294.3(LAMP2):c.*477T>C

Gene: LAMP2 (lysosome associated membrane protein 2; minus strand). Cytogenetic location: Xq24.
Variant type: single nucleotide variant.
Coding change: c.*477T>C on transcript NM_002294.3 (MANE Select); 477 bases downstream of the stop codon, T replaced by C.
Molecular consequence: 3 prime UTR variant. On other transcripts: intron variant (1).
Genome position (GRCh38, 1-based): chrX:120,430,846, A>G on the plus strand (T>C on the coding strand, the complement: LAMP2 is on the minus strand). VCF-style: chrX-120430846-A-G. GRCh37 (hg19) VCF-style: chrX-119564701-A-G.
Other names: c.1094-2220T>C (NM_001122606.1).
Identifiers: ClinVar variation 367782 (VCV000367782.6), dbSNP rs750939378, ClinGen allele CA10653754.

ClinVar aggregate classification (germline): Benign (1 of 4 stars; one submission).

Conditions:
Danon disease. Also called: ANTOPOL DISEASE; PSEUDOGLYCOGENOSIS II; GSD IIb; LYSOSOMAL GLYCOGEN STORAGE DISEASE WITHOUT ACID MALTASE DEFICIENCY; Glycogen Storage Disease Type IIb. Identifiers: Orphanet 34587, MedGen C0878677, MONDO:0010281, OMIM 300257.

Allele frequency attached by ClinVar (database versions not stated): gnomAD exomes 0.00004; gnomAD 0.00018 and 0.00024; TOPMed 0.00034; 1000 Genomes Project 30x 0.00104; 1000 Genomes Project 0.00132.
gnomAD v4.1: 52 of 760,177 alleles (0.0068%); highest among the groups gnomAD compares: East Asian, 0.66%; no homozygotes.

Submission:

Illumina Laboratory Services, Illumina
Classification: Benign for Danon disease. Last evaluated: 2018-01-12. Review status: criteria provided, single submitter. Criteria: ICSL Variant Classification Criteria 13 December 2019. Collection method: clinical testing. Allele origin: germline.
Comment: This variant was observed in the ICSL laboratory as part of a predisposition screen in an ostensibly healthy population. It had not been previously curated by ICSL or reported in the Human Gene Mutation Database (HGMD: prior to June 1st, 2018), and was therefore a candidate for classification through an automated scoring system. Utilizing variant allele frequency, disease prevalence and penetrance estimates, and inheritance mode, an automated score was calculated to assess if this variant is too frequent to cause the disease. Based on the score and internal cut-off values, a variant classified as benign is not then subjected to further curation. The score for this variant resulted in a classification of benign for this disease.